The following is an entry in ClinVar:

ClinVar aggregate classification (germline): Uncertain significance. Review status: criteria provided, multiple submitters, no conflicts (2 of 4 stars). 2 submissions from 2 submitters: Uncertain significance (2). Last evaluated 2025-09-12.

Conditions:
Hereditary nonpolyposis colorectal neoplasms. Identifiers: MedGen C0009405, MeSH D003123.
Hereditary cancer-predisposing syndrome. Also called: Hereditary neoplastic syndrome; Neoplastic Syndromes, Hereditary; Tumor predisposition; Hereditary Cancer Syndrome. Identifiers: Orphanet 140162, MedGen C0027672, MeSH D009386, MONDO:0015356.

Submissions (2):

Ambry Genetics
Classification: Uncertain significance for Hereditary cancer-predisposing syndrome. Last evaluated: 2025-09-12. Review status: criteria provided, single submitter. Criteria: Ambry Variant Classification Scheme 2023. Collection method: clinical testing. Allele origin: germline.
Comment: The p.S517C variant (also known as c.1549A>T), located in coding exon 11 of the PMS2 gene, results from an A to T substitution at nucleotide position 1549. The serine at codon 517 is replaced by cysteine, an amino acid with dissimilar properties. This amino acid position is well conserved in available vertebrate species. In addition, this alteration is predicted to be tolerated by in silico analysis. Based on the available evidence, the clinical significance of this variant remains unclear.

Labcorp Genetics (formerly Invitae), Labcorp
Classification: Uncertain significance for Hereditary nonpolyposis colorectal neoplasms. Last evaluated: 2024-03-26. Review status: criteria provided, single submitter. Criteria: Invitae Variant Classification Sherloc (09022015). Collection method: clinical testing. Allele origin: germline.
Comment: This sequence change replaces serine, which is neutral and polar, with cysteine, which is neutral and slightly polar, at codon 517 of the PMS2 protein (p.Ser517Cys). This variant is not present in population databases (gnomAD no frequency). This variant has not been reported in the literature in individuals affected with PMS2-related conditions. ClinVar contains an entry for this variant (Variation ID: 185560). Advanced modeling of protein sequence and biophysical properties (such as structural, functional, and spatial information, amino acid conservation, physicochemical variation, residue mobility, and thermodynamic stability) performed at Invitae indicates that this missense variant is not expected to disrupt PMS2 protein function with a negative predictive value of 80%. In summary, the available evidence is currently insufficient to determine the role of this variant in disease. Therefore, it has been classified as a Variant of Uncertain Significance.

NM_000535.7(PMS2):c.1549A>T (p.Ser517Cys)

Gene: PMS2 (PMS1 homolog 2, mismatch repair system component; minus strand). Cytogenetic location: 7p22.1.
Variant type: single nucleotide variant.
Coding change: c.1549A>T on transcript NM_000535.7 (MANE Select); coding-DNA position 1549, A replaced by T.
Protein change: p.Ser517Cys; replaces serine 517 with cysteine.
Molecular consequence: missense variant. On other transcripts: non-coding transcript variant (1).
Genome position (GRCh38, 1-based): chr7:5,987,216, T>A on the plus strand (A>T on the coding strand, the complement: PMS2 is on the minus strand). VCF-style: chr7-5987216-T-A. GRCh37 (hg19) VCF-style: chr7-6026847-T-A.
Other names: c.1144A>T, p.Ser382Cys (NM_001322003.2, NM_001322004.2, NM_001322005.2 and 1 more transcripts); c.1393A>T, p.Ser465Cys (NM_001322006.2); c.1231A>T, p.Ser411Cys (NM_001322007.2, NM_001322008.2); c.988A>T, p.Ser330Cys (NM_001322010.2); c.616A>T, p.Ser206Cys (NM_001322011.2, NM_001322012.2); c.976A>T, p.Ser326Cys (NM_001322013.2); c.1549A>T, p.Ser517Cys (NM_001322014.2); c.1240A>T, p.Ser414Cys (NM_001322015.2); short protein forms S517C, S382C, S330C, S411C, S206C, S326C, S414C, S465C.
Identifiers: ClinVar variation 185560 (VCV000185560.8), dbSNP rs786202274, ClinGen allele CA009827.